The following is an entry in ClinVar:

ClinVar aggregate classification (germline): Conflicting classifications of pathogenicity. Review status: criteria provided, conflicting classifications (1 of 4 stars). 3 submissions from 3 submitters: Uncertain significance (2); Likely benign (1). Last evaluated 2025-08-10.

Conditions:
Inborn genetic diseases. Identifiers: MedGen C0950123, MeSH D030342.

Allele frequency attached by ClinVar (database versions not stated): gnomAD exomes 0.00001.
gnomAD v4.1: 3 of 1,613,080 alleles (0.00019%); highest among the groups gnomAD compares: Non-Finnish European, 0.00025%; no homozygotes.

Submissions (3):

Ambry Genetics
Classification: Uncertain significance for Inborn genetic diseases. Last evaluated: 2025-08-10. Review status: criteria provided, single submitter. Criteria: Ambry Variant Classification Scheme 2023. Collection method: clinical testing. Allele origin: germline.

Greenwood Genetic Center Diagnostic Laboratories, Greenwood Genetic Center
Classification: Uncertain significance. Last evaluated: 2024-02-06. Review status: criteria provided, single submitter. Criteria: ACMG Guidelines, 2015. Collection method: clinical testing. Allele origin: germline. Affected: yes.
Comment: PM2

Labcorp Genetics (formerly Invitae), Labcorp
Classification: Likely benign. Last evaluated: 2023-08-22. Review status: criteria provided, single submitter. Criteria: Invitae Variant Classification Sherloc (09022015). Collection method: clinical testing. Allele origin: germline.

NM_030665.4(RAI1):c.232T>C (p.Tyr78His)

Gene: RAI1 (retinoic acid induced 1; plus strand). Cytogenetic location: 17p11.2.
Variant type: single nucleotide variant.
Coding change: c.232T>C on transcript NM_030665.4 (MANE Select); coding-DNA position 232, T replaced by C.
Protein change: p.Tyr78His; replaces tyrosine 78 with histidine.
Molecular consequence: missense variant.
Genome position (GRCh38, 1-based): chr17:17,793,180, T>C. VCF-style: chr17-17793180-T-C. GRCh37 (hg19) VCF-style: chr17-17696494-T-C.
Other names: c.232T>C (NM_030665.3); short protein forms Y78H.
Identifiers: ClinVar variation 2723082 (VCV002723082.5), dbSNP rs2508567631, ClinGen allele CA398545021.